The following is an entry in ClinVar:

NM_033028.5(BBS4):c.*5A>G

Gene: BBS4 (Bardet-Biedl syndrome 4; plus strand). Cytogenetic location: 15q24.1.
Variant type: single nucleotide variant.
Coding change: c.*5A>G on transcript NM_033028.5 (MANE Select); 5 bases downstream of the stop codon, A replaced by G.
Molecular consequence: 3 prime UTR variant. On other transcripts: non-coding transcript variant (2).
Genome position (GRCh38, 1-based): chr15:72,737,592, A>G. VCF-style: chr15-72737592-A-G. GRCh37 (hg19) VCF-style: chr15-73029933-A-G.
Other names: c.*5A>G (NM_001252678.2, NM_001320665.2).
Identifiers: ClinVar variation 3354315 (VCV003354315.1).

ClinVar aggregate classification (germline): Likely benign (0 of 4 stars; one submission).

Conditions:
BBS4-related disorder. Also called: BBS4-related condition.

Submission:

PreventionGenetics, part of Exact Sciences
Classification: Likely benign for BBS4-related condition. Last evaluated: 2024-02-22. Review status: no assertion criteria provided. Collection method: clinical testing. Allele origin: germline.
Comment: This variant is classified as likely benign based on ACMG/AMP sequence variant interpretation guidelines (Richards et al. 2015 PMID: 25741868, with internal and published modifications).